The following is an entry in ClinVar:

NM_000460.4(THPO):c.-260C>T

Gene: THPO (thrombopoietin; minus strand). Cytogenetic location: 3q27.1.
Variant type: single nucleotide variant.
Coding change: c.-260C>T on transcript NM_000460.4 (MANE Select); 260 bases upstream of the start codon, C replaced by T.
Molecular consequence: 5 prime UTR variant. On other transcripts: missense variant (1), intron variant (1).
Genome position (GRCh38, 1-based): chr3:184,378,189, G>A on the plus strand (C>T on the coding strand, the complement: THPO is on the minus strand). VCF-style: chr3-184378189-G-A. GRCh37 (hg19) VCF-style: chr3-184095977-G-A.
Other names: c.-260C>T (NM_001177597.2, NM_001177598.2, NM_001289997.1 and 4 more transcripts); c.161C>T, p.Ala54Val (NM_001290003.1); c.-146+1402C>T (NM_001290028.1); short protein forms A54V.
Identifiers: ClinVar variation 4981065 (VCV004981065.1).

ClinVar aggregate classification (germline): Uncertain significance (1 of 4 stars; one submission).

Conditions:
THPO-related disorder. Also called: THPO-related condition.

Submission:

PreventionGenetics, part of Exact Sciences
Classification: Uncertain significance for THPO-related condition. Last evaluated: 2026-01-13. Review status: criteria provided, single submitter. Criteria: ACMG Guidelines, 2015. Collection method: clinical testing. Allele origin: germline.
Comment: The THPO c.161C>T variant is predicted to result in the amino acid substitution p.Ala54Val. To our knowledge, this variant has not been reported in the literature. This variant is reported in 0.019% of alleles in individuals of European (Non-Finnish) descent in gnomAD. At this time, the clinical significance of this variant is uncertain due to the absence of conclusive functional and genetic evidence.